The following is an entry in ClinVar:

NM_198859.4(PRICKLE2):c.1639C>A (p.Leu547Met)

Gene: PRICKLE2 (prickle planar cell polarity protein 2; minus strand). Cytogenetic location: 3p14.1.
Variant type: single nucleotide variant.
Coding change: c.1639C>A on transcript NM_198859.4 (MANE Select); coding-DNA position 1639, C replaced by A.
Protein change: p.Leu547Met; replaces leucine 547 with methionine.
Molecular consequence: missense variant.
Genome position (GRCh38, 1-based): chr3:64,146,851, G>T on the plus strand (C>A on the coding strand, the complement: PRICKLE2 is on the minus strand). VCF-style: chr3-64146851-G-T. GRCh37 (hg19) VCF-style: chr3-64132527-G-T.
Other names: c.1639C>A, p.Leu547Met (NM_001370528.1); short protein forms L547M.
Identifiers: ClinVar variation 857711 (VCV000857711.12), dbSNP rs368904012, ClinGen allele CA2479584.

ClinVar aggregate classification (germline): Uncertain significance. Review status: criteria provided, multiple submitters, no conflicts (2 of 4 stars). 3 submissions from 3 submitters: Uncertain significance (3). Last evaluated 2026-01-12.

Conditions:
Progressive myoclonic epilepsy type 5. Identifiers: Orphanet 402082, MedGen C5190799.
Progressive myoclonic epilepsy. Also called: Myoclonus epilepsy; Familial progressive myoclonic epilepsy; Myoclonic Epilepsies, Progressive; Progressive myoclonus epilepsy. Identifiers: Orphanet 308, Orphanet 98261, MedGen C0751778, MONDO:0020074.

Allele frequency attached by ClinVar (database versions not stated): ExAC 0.00003; gnomAD exomes 0.00003; gnomAD 0.00005 and 0.00006; TOPMed 0.00006; ESP Exome Variant Server 0.00008.
gnomAD v4.1: 44 of 1,614,034 alleles (0.0027%); highest among the groups gnomAD compares: Middle Eastern, 0.049%; no homozygotes.

Submissions (3):

Labcorp Genetics (formerly Invitae), Labcorp
Classification: Uncertain significance for Progressive myoclonic epilepsy type 5. Last evaluated: 2026-01-12. Review status: criteria provided, single submitter. Criteria: Invitae Variant Classification Sherloc (09022015). Collection method: clinical testing. Allele origin: germline.
Comment: This sequence change replaces leucine, which is neutral and non-polar, with methionine, which is neutral and non-polar, at codon 547 of the PRICKLE2 protein (p.Leu547Met). This variant is present in population databases (rs368904012, gnomAD 0.006%). This variant has not been reported in the literature in individuals affected with PRICKLE2-related conditions. ClinVar contains an entry for this variant (Variation ID: 857711). Invitae Evidence Modeling of protein sequence and biophysical properties (such as structural, functional, and spatial information, amino acid conservation, physicochemical variation, residue mobility, and thermodynamic stability) indicates that this missense variant is expected to disrupt PRICKLE2 protein function with a positive predictive value of 80%. In summary, the available evidence is currently insufficient to determine the role of this variant in disease. Therefore, it has been classified as a Variant of Uncertain Significance.

Blueprint Genetics
Classification: Uncertain significance. Last evaluated: 2024-10-31. Review status: criteria provided, single submitter. Criteria: ACMG Guidelines, 2015. Collection method: clinical testing. Allele origin: germline.

Illumina Laboratory Services, Illumina
Classification: Uncertain significance for Progressive myoclonic epilepsy. Last evaluated: 2018-01-13. Review status: criteria provided, single submitter. Criteria: ICSL Variant Classification Criteria 13 December 2019. Collection method: clinical testing. Allele origin: germline.